The following is an entry in ClinVar:

NM_031889.3(ENAM):c.2763del (p.Asp921fs)

Gene: ENAM (enamelin; plus strand). Cytogenetic location: 4q13.3.
Variant type: Deletion.
Coding change: c.2763del on transcript NM_031889.3 (MANE Select); coding-DNA position 2763, one base deleted (T; older notation c.2763delT).
Protein change: p.Asp921fs; shifts the reading frame from aspartic acid 921.
Molecular consequence: frameshift variant.
Genome position (GRCh38, 1-based): chr4:70,644,189, T deleted. VCF-style (leftmost placement, unchanged base first): chr4-70644188-AT-A. GRCh37 (hg19) VCF-style: chr4-71509905-AT-A.
Other names: c.2109del, p.Asp703fs (NM_001368133.1); c.2763del (NM_031889.2); short protein forms D703fs, D921fs.
Identifiers: ClinVar variation 418735 (VCV000418735.32), dbSNP rs529979202, ClinGen allele CA2952349.

ClinVar aggregate classification (germline): Pathogenic/Likely pathogenic. Review status: criteria provided, multiple submitters, no conflicts (2 of 4 stars). 5 submissions from 5 submitters: Pathogenic (1); Likely pathogenic (4). Last evaluated 2025-12-18.

Conditions:
ENAM-related disorder. Also called: ENAM-related condition.
Amelogenesis imperfecta type 1C. Also called: AMELOGENESIS IMPERFECTA, LOCAL HYPOPLASTIC TYPE, AUTOSOMAL RECESSIVE. Identifiers: Orphanet 88661, MedGen C2673923, MONDO:0008770, OMIM 204650. Disease mechanism: loss of function.
Amelogenesis imperfecta - hypoplastic autosomal dominant - local (AI1B). Also called: ENAMEL HYPOPLASIA, HEREDITARY LOCALIZED; Amelogenesis imperfecta type 1B. Identifiers: Orphanet 88661, MedGen C0399368, MONDO:0007092, OMIM 104500. Disease mechanism: loss of function.

Allele frequency attached by ClinVar (database versions not stated): ExAC 0.00014; TOPMed 0.00016; gnomAD 0.00017 and 0.00019; gnomAD exomes 0.00022 and 0.00032; ESP Exome Variant Server 0.00032.

Submissions (5):

GeneDx
Classification: Likely pathogenic. Last evaluated: 2025-12-18. Review status: criteria provided, single submitter. Criteria: GeneDx Variant Classification Process June 2021. Collection method: clinical testing. Allele origin: germline. Affected: yes.
Comment: Frameshift variant predicted to result in abnormal protein length as the last 222 amino acid(s) are replaced with 31 different amino acid(s), and other similar variants have been reported in HGMD; This variant is associated with the following publications: (PMID: 31589614, 31478359, 41210864)

PreventionGenetics, part of Exact Sciences
Classification: Likely pathogenic for ENAM-related condition. Last evaluated: 2025-09-19. Review status: criteria provided, single submitter. Criteria: ACMG Guidelines, 2015. Collection method: clinical testing. Allele origin: germline.
Comment: The ENAM c.2763delT variant is predicted to result in a frameshift and premature protein termination (p.Asp921Glufs*32). This variant has been reported in the compound heterozygous state in two siblings with amelogenesis imperfecta, and was inherited from an unaffected parent (Zhang. 2019. PubMed ID: 31478359). This variant is reported in 0.043% of alleles in individuals of European (Non-Finnish) descent in gnomAD. Frameshift variants in ENAM are expected to be pathogenic. This variant is interpreted as likely pathogenic.

Dasa
Classification: Likely pathogenic. Last evaluated: 2025-08-18. Review status: criteria provided, single submitter. Criteria: DASA Assertion Criteria. Collection method: clinical testing. Allele origin: germline.
Comment: NM_031889.3(ENAM):c.2763del (p.Asp921Glufs*32) is a frameshift variant in ENAM predicted to alter the reading frame and introduce a premature termination codon and is predicted to result in an absent or altered protein product. Loss of function is an established disease mechanism for ENAM-associated disorders. Segregation data support an association with disease in the reported family/families (PMID: 31478359). This variant has been reported in individuals with ENAM-related disorders (PMID: 31478359). Also, this variant is rare in population databases. Based on the currently available evidence, this variant is classified as likely pathogenic.

CeGaT Center for Human Genetics Tuebingen
Classification: Pathogenic. Last evaluated: 2024-02-01. Review status: criteria provided, single submitter. Criteria: CeGaT Center For Human Genetics Tuebingen Variant Classification Criteria Version 2. Collection method: clinical testing. Allele origin: germline. Affected: yes. Observed: 2 variant alleles.
Comment: ENAM: PM3:Strong, PVS1:Strong, PM2

Department of Pathology and Laboratory Medicine, Sinai Health System
Classification: Likely pathogenic for Amelogenesis imperfecta - hypoplastic autosomal dominant - local; Amelogenesis imperfecta type 1C. Last evaluated: 2023-06-30. Review status: criteria provided, single submitter. Criteria: ACMG Guidelines, 2015. Collection method: research. Allele origin: germline.

Literature cited by the submitters: PubMed 31478359 (cited by Dasa).